The following is an entry in ClinVar:

ClinVar aggregate classification (germline): Uncertain significance. Review status: criteria provided, multiple submitters, no conflicts (2 of 4 stars). 2 submissions from 2 submitters: Uncertain significance (2). Last evaluated 2025-07-14.

Conditions:
Hypertrophic cardiomyopathy. Also called: HYPERTROPHIC MYOCARDIOPATHY. Identifiers: Orphanet 217569, MedGen C0007194, MeSH D002312, MONDO:0005045, HP:0001639.
Cardiomyopathy (CMYO). Also called: Cardiomyopathies. Identifiers: Orphanet 167848, MedGen C0878544, MONDO:0004994, HP:0001638. Inheritance: Various modes of inheritance.

Submissions (2):

Color Diagnostics, LLC DBA Color Health
Classification: Uncertain significance for Cardiomyopathy. Last evaluated: 2025-07-14. Review status: criteria provided, single submitter. Criteria: ACMG Guidelines, 2015. Collection method: clinical testing. Allele origin: germline.
Comment: This missense variant replaces methionine with arginine at codon 1052 of the MYBPC3 protein. Computational prediction suggests that this variant may not impact protein structure and function. To our knowledge, functional studies have not been reported for this variant. This variant has not been reported in individuals affected with MYBPC3-related disorders in the literature. This variant has not been identified in the general population by the Genome Aggregation Database (gnomAD). The available evidence is insufficient to determine the role of this variant in disease conclusively. Therefore, this variant is classified as a Variant of Uncertain Significance.

All of Us Research Program, National Institutes of Health
Classification: Uncertain significance for Hypertrophic cardiomyopathy. Last evaluated: 2023-05-31. Review status: criteria provided, single submitter. Criteria: ACMG Guidelines, 2015. Collection method: clinical testing. Allele origin: germline. Inheritance: Autosomal dominant inheritance. Observed: 1 variant allele, 1 heterozygote.
Comment: This study involves interpretation of variants in research participants for the purpose of population health screening. Participant phenotype was not available at the time of variant classification. Additional details can be found in publication PMID: 35346344, PMCID: PMC8962531

NM_000256.3(MYBPC3):c.3155T>G (p.Met1052Arg)

Gene: MYBPC3 (myosin binding protein C3; minus strand). Cytogenetic location: 11p11.2.
Variant type: single nucleotide variant.
Coding change: c.3155T>G on transcript NM_000256.3 (MANE Select); coding-DNA position 3155, T replaced by G.
Protein change: p.Met1052Arg; replaces methionine 1052 with arginine.
Molecular consequence: missense variant.
Genome position (GRCh38, 1-based): chr11:47,333,592, A>C on the plus strand (T>G on the coding strand, the complement: MYBPC3 is on the minus strand). VCF-style: chr11-47333592-A-C. GRCh37 (hg19) VCF-style: chr11-47355143-A-C.
Other names: short protein forms M1052R.
Identifiers: ClinVar variation 3071338 (VCV003071338.2), dbSNP rs2095879438, ClinGen allele CA380314792.